The following is an entry in ClinVar:

ClinVar aggregate classification (germline): Uncertain significance (1 of 4 stars; one submission).

Conditions:
Neurofibromatosis, type 1 (NF1). Also called: Neurofibromatosis, type I; VON RECKLINGHAUSEN DISEASE; NEUROFIBROMATOSIS, TYPE I, SOMATIC; Peripheral type neurofibromatosis. Identifiers: Orphanet 636, MedGen C0027831, MONDO:0018975, OMIM 162200. Disease mechanism: loss of function.

Submission:

Labcorp Genetics (formerly Invitae), Labcorp
Classification: Uncertain significance for Neurofibromatosis, type 1. Last evaluated: 2023-05-25. Review status: criteria provided, single submitter. Criteria: Invitae Variant Classification Sherloc (09022015). Collection method: clinical testing. Allele origin: germline.
Comment: In summary, the available evidence is currently insufficient to determine the role of this variant in disease. Therefore, it has been classified as a Variant of Uncertain Significance. An algorithm developed to predict the effect of missense changes on protein structure and function (PolyPhen-2) suggests that this variant is likely to be tolerated. This variant has not been reported in the literature in individuals affected with NF1-related conditions. This variant is not present in population databases (gnomAD no frequency). This sequence change replaces lysine, which is basic and polar, with glutamic acid, which is acidic and polar, at codon 296 of the NF1 protein (p.Lys296Glu).

NM_001042492.3(NF1):c.886A>G (p.Lys296Glu)

Gene: NF1 (neurofibromin 1; plus strand). Cytogenetic location: 17q11.2.
Variant type: single nucleotide variant.
Coding change: c.886A>G on transcript NM_001042492.3 (MANE Select); coding-DNA position 886, A replaced by G.
Protein change: p.Lys296Glu; replaces lysine 296 with glutamic acid.
Molecular consequence: missense variant.
Genome position (GRCh38, 1-based): chr17:31,182,663, A>G. VCF-style: chr17-31182663-A-G. GRCh37 (hg19) VCF-style: chr17-29509681-A-G.
Other names: c.886A>G, p.Lys296Glu (NM_000267.4, NM_001128147.3); short protein forms K296E.
Identifiers: ClinVar variation 2839939 (VCV002839939.3), dbSNP rs1135402798, ClinGen allele CA398991303.